The following is an entry in ClinVar:

ClinVar aggregate classification (germline): Uncertain significance (1 of 4 stars; one submission).

Submission:

GeneDx
Classification: Uncertain significance. Last evaluated: 2018-07-23. Review status: criteria provided, single submitter. Criteria: GeneDx Variant Classification (06012015). Collection method: clinical testing. Allele origin: germline. Affected: yes.
Comment: The Q544L variant has not been published as a pathogenic variant, nor has it been reported as a benign variant to our knowledge. The Q544L variant was not observed in approximately 6,500 individuals of European and African American ancestry in the NHLBI Exome Sequencing Project, indicating it is not a common benign variant in these populations. This substitution occurs at a position that is conserved across species. Additionally, the Q544L variant is a non-conservative amino acid substitution, which is likely to impact secondary protein structure as these residues differ in polarity, charge, size and/or other properties. Nevertheless, in silico analysis is inconsistent in its predictions as to whether or not the variant is damaging to the protein structure/function. Therefore, based on the currently available information, it is unclear whether this variant is pathogenic or rare benign.

NM_000218.3(KCNQ1):c.1631A>T (p.Gln544Leu)

Gene: KCNQ1 (potassium voltage-gated channel subfamily Q member 1; plus strand). Cytogenetic location: 11p15.5.
Variant type: single nucleotide variant.
Coding change: c.1631A>T on transcript NM_000218.3 (MANE Select); coding-DNA position 1631, A replaced by T.
Protein change: p.Gln544Leu; replaces glutamine 544 with leucine.
Molecular consequence: missense variant.
Genome position (GRCh38, 1-based): chr11:2,776,000, A>T. VCF-style: chr11-2776000-A-T. GRCh37 (hg19) VCF-style: chr11-2797230-A-T.
Other names: p.Q544L:CAG>CTG; c.1535A>T, p.Gln512Leu (NM_001406836.1); c.1361A>T, p.Gln454Leu (NM_001406837.1); c.1091A>T, p.Gln364Leu (NM_001406838.1); c.1250A>T, p.Gln417Leu (NM_181798.2); short protein forms Q417L, Q544L, Q454L, Q512L, Q364L.
Identifiers: ClinVar variation 200906 (VCV000200906.4), dbSNP rs794728574, ClinGen allele CA006022.
Genomic context (GRCh38, chr11:2,776,000, plus strand): 5'-CGTGTCTTTTTGTCCCGCAGCAAGCGCGGAAGCCTTACGATGTGCGGGACGTCATTGAGC[A>T]GTACTCGCAGGGCCACCTCAACCTCATGGTGCGCATCAAGGAGCTGCAGAGGAGGTGGGC-3'
Protein context (NP_000209.2, residues 534-554): KPYDVRDVIE[Gln544Leu]YSQGHLNLMV